The following is an entry in ClinVar:

ClinVar aggregate classification (germline): Uncertain significance (1 of 4 stars; one submission).

Submission:

Labcorp Genetics (formerly Invitae), Labcorp
Classification: Uncertain significance. Last evaluated: 2022-05-27. Review status: criteria provided, single submitter. Criteria: Invitae Variant Classification Sherloc (09022015). Collection method: clinical testing. Allele origin: germline.
Comment: This sequence change replaces histidine, which is basic and polar, with proline, which is neutral and non-polar, at codon 1873 of the VCAN protein (p.His1873Pro). This variant is not present in population databases (gnomAD no frequency). This variant has not been reported in the literature in individuals affected with VCAN-related conditions. Algorithms developed to predict the effect of missense changes on protein structure and function output the following: SIFT: "Tolerated"; PolyPhen-2: "Benign"; Align-GVGD: "Class C0". The proline amino acid residue is found in multiple mammalian species, which suggests that this missense change does not adversely affect protein function. In summary, the available evidence is currently insufficient to determine the role of this variant in disease. Therefore, it has been classified as a Variant of Uncertain Significance.

NM_004385.5(VCAN):c.5618A>C (p.His1873Pro)

Genes: VCAN (versican; plus strand), VCAN-AS1 (VCAN antisense RNA 1; minus strand). Cytogenetic location: 5q14.3.
Variant type: single nucleotide variant.
Coding change: c.5618A>C on transcript NM_004385.5 (MANE Select); coding-DNA position 5618, A replaced by C.
Protein change: p.His1873Pro; replaces histidine 1873 with proline.
Molecular consequence: missense variant. On other transcripts: intron variant (2).
Genome position (GRCh38, 1-based): chr5:83,538,621, A>C. VCF-style: chr5-83538621-A-C. GRCh37 (hg19) VCF-style: chr5-82834440-A-C.
Other names: c.2657A>C, p.His886Pro (NM_001164097.2); c.4004-6916A>C (NM_001164098.2); c.1043-6916A>C (NM_001126336.3); short protein forms H1873P, H886P.
Identifiers: ClinVar variation 1999547 (VCV001999547.4), dbSNP rs767479742, ClinGen allele CA360310789.